The following is an entry in ClinVar:

NM_017780.4(CHD7):c.4920A>G (p.Glu1640=)

Gene: CHD7 (chromodomain helicase DNA binding protein 7; plus strand). Cytogenetic location: 8q12.2.
Variant type: single nucleotide variant.
Coding change: c.4920A>G on transcript NM_017780.4 (MANE Select); coding-DNA position 4920, A replaced by G.
Protein change: p.Glu1640=; no amino-acid change (glutamic acid 1640 retained).
Molecular consequence: synonymous variant. On other transcripts: intron variant (1).
Genome position (GRCh38, 1-based): chr8:60,844,933, A>G. VCF-style: chr8-60844933-A-G. GRCh37 (hg19) VCF-style: chr8-61757492-A-G.
Other names: c.1717-17296A>G (NM_001316690.1).
Identifiers: ClinVar variation 1554043 (VCV001554043.31), dbSNP rs757952334, ClinGen allele CA4760236.

ClinVar aggregate classification (germline): Likely benign. Review status: criteria provided, multiple submitters, no conflicts (2 of 4 stars). 5 submissions from 5 submitters: Likely benign (4). 1 of the submissions does not count toward it. Last evaluated 2025-09-01.

Conditions:
CHARGE syndrome (CHARGE). Also called: Coloboma, heart anomaly, choanal atresia, retardation, genital and ear anomalies; CHARGE association; Hall-Hittner syndrome; Hittner Hirsch Kreh syndrome; CHARGE ASSOCIATION--COLOBOMA, HEART ANOMALY, CHOANAL ATRESIA, RETARDATION, GENITAL AND EAR ANOMALIES. Identifiers: Orphanet 138, MedGen C0265354, MONDO:0008965.
CHD7-related disorder. Also called: CHD7-related condition.
Inborn genetic diseases. Identifiers: MedGen C0950123, MeSH D030342.

Allele frequency attached by ClinVar (database versions not stated): gnomAD exomes 0.00003 and 0.00004; ExAC 0.00004; gnomAD 0.00005 and 0.00006; TOPMed 0.00005.
gnomAD v4.1: 65 of 1,613,866 alleles (0.004%); highest among the groups gnomAD compares: Non-Finnish European, 0.0054%; no homozygotes.

Submissions (5):

Labcorp Genetics (formerly Invitae), Labcorp
Classification: Likely benign for CHARGE syndrome. Last evaluated: 2025-09-01. Review status: criteria provided, single submitter. Criteria: Invitae Variant Classification Sherloc (09022015). Collection method: clinical testing. Allele origin: germline.

CeGaT Center for Human Genetics Tuebingen
Classification: Likely benign. Last evaluated: 2024-05-01. Review status: criteria provided, single submitter. Criteria: CeGaT Center For Human Genetics Tuebingen Variant Classification Criteria Version 2. Collection method: clinical testing. Allele origin: germline. Affected: yes. Observed: 1 variant allele.
Comment: CHD7: BP4, BP7

Blueprint Genetics
Classification: Likely benign. Last evaluated: 2024-04-02. Review status: criteria provided, single submitter. Criteria: ACMG Guidelines, 2015. Collection method: clinical testing. Allele origin: germline.

Ambry Genetics
Classification: Likely benign for Inborn genetic diseases. Last evaluated: 2017-12-04. Review status: criteria provided, single submitter. Criteria: Ambry Variant Classification Scheme 2023. Collection method: clinical testing. Allele origin: germline.

PreventionGenetics, part of Exact Sciences
Classification: Likely benign for CHD7-related condition. Last evaluated: 2023-04-18. Review status: no assertion criteria provided. Collection method: clinical testing. Allele origin: germline. Not counted in ClinVar's aggregate classification.
Comment: This variant is classified as likely benign based on ACMG/AMP sequence variant interpretation guidelines (Richards et al. 2015 PMID: 25741868, with internal and published modifications).